The following is an entry in ClinVar:

NM_004086.3(COCH):c.1574G>T (p.Arg525Ile)

Genes: COCH (cochlin; plus strand), COCH-AS1 (COCH antisense RNA 1; minus strand). Cytogenetic location: 14q12.
Variant type: single nucleotide variant.
Coding change: c.1574G>T on transcript NM_004086.3 (MANE Select); coding-DNA position 1574, G replaced by T.
Protein change: p.Arg525Ile; replaces arginine 525 with isoleucine.
Molecular consequence: missense variant. On other transcripts: non-coding transcript variant (1).
Genome position (GRCh38, 1-based): chr14:30,889,712, G>T. VCF-style: chr14-30889712-G-T. GRCh37 (hg19) VCF-style: chr14-31358918-G-T.
Other names: c.1574G>T, p.Arg525Ile (NM_001135058.2); c.1769G>T, p.Arg590Ile (NM_001347720.2); short protein forms R525I, R590I.
Identifiers: ClinVar variation 4686435 (VCV004686435.1).

ClinVar aggregate classification (germline): Uncertain significance (1 of 4 stars; one submission).

gnomAD v4.1: 290 of 1,613,992 alleles (0.018%); highest among the groups gnomAD compares: Non-Finnish European, 0.00051%; 2 homozygotes.

Submission:

GeneDx
Classification: Uncertain significance. Last evaluated: 2025-07-17. Review status: criteria provided, single submitter. Criteria: GeneDx Variant Classification Process June 2021. Collection method: clinical testing. Allele origin: germline. Affected: yes.
Comment: In silico analysis supports that this missense variant has a deleterious effect on protein structure/function; Has not been previously published as pathogenic or benign to our knowledge